The following is an entry in ClinVar:

NM_080680.3(COL11A2):c.5170C>T (p.Arg1724Trp)

Gene: COL11A2 (collagen type XI alpha 2 chain; minus strand). Cytogenetic location: 6p21.32.
Variant type: single nucleotide variant.
Coding change: c.5170C>T on transcript NM_080680.3 (MANE Select); coding-DNA position 5170, C replaced by T.
Protein change: p.Arg1724Trp; replaces arginine 1724 with tryptophan.
Molecular consequence: missense variant.
Genome position (GRCh38, 1-based): chr6:33,163,719, G>A on the plus strand (C>T on the coding strand, the complement: COL11A2 is on the minus strand). VCF-style: chr6-33163719-G-A. GRCh37 (hg19) VCF-style: chr6-33131496-G-A.
Other names: c.4849C>T, p.Arg1617Trp (NM_080679.3); c.4912C>T, p.Arg1638Trp (NM_080681.3); c.5170C>T (NM_080680.2); short protein forms R1724W, R1638W, R1617W.
Identifiers: ClinVar variation 439495 (VCV000439495.15), dbSNP rs762351406, ClinGen allele CA3749896.

ClinVar aggregate classification (germline): Conflicting classifications of pathogenicity. Review status: criteria provided, conflicting classifications (1 of 4 stars). 4 submissions from 4 submitters: Uncertain significance (3); Likely benign (1). Last evaluated 2026-07-29.

Conditions:
COL11A2-related disorder. Also called: COL11A2-related disorders; COL11A2-related condition.

Allele frequency attached by ClinVar (database versions not stated): gnomAD exomes 0.00002; TOPMed 0.00002; ExAC 0.00003.
gnomAD v4.1: 23 of 1,613,042 alleles (0.0014%); highest among the groups gnomAD compares: Admixed American, 0.0083%; no homozygotes.

Submissions (4):

PreventionGenetics, part of Exact Sciences
Classification: Uncertain significance for COL11A2-related condition. Last evaluated: 2026-07-29. Review status: criteria provided, single submitter. Criteria: ACMG Guidelines, 2015. Collection method: clinical testing. Allele origin: germline.
Comment: The COL11A2 c.5170C>T variant is predicted to result in the amino acid substitution p.Arg1724Trp. This variant was reported in an individual with adolescent idiopathic scoliosis (Figure 3A, Haller et al. 2016. PubMed ID: 26566670). This variant is reported in 0.012% of alleles in individuals of Latino descent in gnomAD. At this time, the clinical significance of this variant is uncertain due to the absence of conclusive functional and genetic evidence.

Labcorp Genetics (formerly Invitae), Labcorp
Classification: Likely benign. Last evaluated: 2025-09-21. Review status: criteria provided, single submitter. Criteria: Invitae Variant Classification Sherloc (09022015). Collection method: clinical testing. Allele origin: germline.

Blueprint Genetics
Classification: Uncertain significance. Last evaluated: 2024-08-09. Review status: criteria provided, single submitter. Criteria: ACMG Guidelines, 2015. Collection method: clinical testing. Allele origin: germline.

ARUP Laboratories, Molecular Genetics and Genomics, ARUP Laboratories
Classification: Uncertain significance. Last evaluated: 2016-11-02. Review status: criteria provided, single submitter. Criteria: ARUP Molecular Germline Variant Investigation Process. Collection method: clinical testing. Allele origin: germline.